The following is an entry in ClinVar:

ClinVar aggregate classification (germline): Uncertain significance (1 of 4 stars; one submission).

Conditions:
COG5-congenital disorder of glycosylation. Also called: COG5-CDG; CDG IIi; CONGENITAL DISORDER OF GLYCOSYLATION, TYPE IIi. Identifiers: Orphanet 263487, MedGen C3150876, MONDO:0013325, OMIM 613612.

Submission:

Labcorp Genetics (formerly Invitae), Labcorp
Classification: Uncertain significance for COG5-congenital disorder of glycosylation. Last evaluated: 2022-03-12. Review status: criteria provided, single submitter. Criteria: Invitae Variant Classification Sherloc (09022015). Collection method: clinical testing. Allele origin: germline.
Comment: In summary, the available evidence is currently insufficient to determine the role of this variant in disease. Therefore, it has been classified as a Variant of Uncertain Significance. Variants that disrupt the consensus splice site are a relatively common cause of aberrant splicing (PMID: 17576681, 9536098). Algorithms developed to predict the effect of sequence changes on RNA splicing suggest that this variant is not likely to affect RNA splicing. This variant has not been reported in the literature in individuals affected with COG5-related conditions. This variant is not present in population databases (gnomAD no frequency). This sequence change falls in intron 5 of the COG5 gene. It does not directly change the encoded amino acid sequence of the COG5 protein. It affects a nucleotide within the consensus splice site.

Literature cited by the submitters: PubMed 17576681; PubMed 9536098.

NM_006348.5(COG5):c.417+4G>C

Gene: COG5 (component of oligomeric golgi complex 5; minus strand). Cytogenetic location: 7q22.3.
Variant type: single nucleotide variant.
Coding change: c.417+4G>C on transcript NM_006348.5 (MANE Select); 4 bases into the intron after coding-DNA position 417, G replaced by C.
Molecular consequence: intron variant.
Genome position (GRCh38, 1-based): chr7:107,548,107, C>G on the plus strand (G>C on the coding strand, the complement: COG5 is on the minus strand). VCF-style: chr7-107548107-C-G. GRCh37 (hg19) VCF-style: chr7-107188552-C-G.
Other names: c.234+9869G>C (NM_001379516.1); c.417+4G>C (NM_001379515.1, NM_001379511.1, NM_001379512.1 and 4 more transcripts).
Identifiers: ClinVar variation 2109702 (VCV002109702.4), dbSNP rs772302743, ClinGen allele CA2580076131.